The following is an entry in ClinVar:

ClinVar aggregate classification (germline): Benign/Likely benign. Review status: criteria provided, multiple submitters, no conflicts (2 of 4 stars). 13 submissions from 10 submitters: Benign (7); Likely benign (5). 1 of the submissions does not count toward it. Last evaluated 2026-01-27.

Conditions:
Cardiovascular phenotype. Identifiers: MedGen CN230736.
TTN-related disorder. Also called: TTN-related disorders; TTN-related condition; TTN-related disease.
Dilated cardiomyopathy 1G (CMD1G). Identifiers: Orphanet 154, MedGen C1858763, MONDO:0011400, OMIM 604145.
Autosomal recessive limb-girdle muscular dystrophy type 2J (LGMDR10). Also called: Limb-girdle muscular dystrophy, type 2J; MUSCULAR DYSTROPHY, LIMB-GIRDLE, AUTOSOMAL RECESSIVE 10. Identifiers: Orphanet 140922, MedGen C1837342, MONDO:0012127, OMIM 608807.
Tibial muscular dystrophy (TMD). Also called: UDD MYOPATHY; Tibial muscular dystrophy, tardive; Udd Distal Myopathy – Tibial Muscular Dystrophy. Identifiers: Orphanet 609, MedGen C1838244, MONDO:0010870, OMIM 600334.
Early-onset myopathy with fatal cardiomyopathy (CMYO5). Also called: Salih Myopathy; CONGENITAL MYOPATHY 5 WITH CARDIOMYOPATHY. Identifiers: Orphanet 289377, MedGen C2673677, MONDO:0012714, OMIM 611705. Disease mechanism: loss of function.
Myopathy, myofibrillar, 9, with early respiratory failure (MFM9). Also called: MYOPATHY, PROXIMAL, WITH EARLY RESPIRATORY MUSCLE INVOLVEMENT; EDSTROM MYOPATHY; Hereditary myopathy with early respiratory failure; Myopathy, distal, with early respiratory failure, autosomal dominant. Identifiers: Orphanet 178464, Orphanet 34521, MedGen C1863599, MONDO:0011362, OMIM 603689.

Allele frequency attached by ClinVar (database versions not stated): ESP Exome Variant Server 0.00033; gnomAD 0.00029; TOPMed 0.00037; 1000 Genomes Project 30x 0.00062; 1000 Genomes Project 0.00080.
gnomAD v4.1: 96 of 1,608,544 alleles (0.006%); highest among the groups gnomAD compares: African/African-American, 0.12%; no homozygotes.

Submissions (13):

Labcorp Genetics (formerly Invitae), Labcorp
Classification: Likely benign for Dilated cardiomyopathy 1G; Autosomal recessive limb-girdle muscular dystrophy type 2J. Last evaluated: 2026-01-27. Review status: criteria provided, single submitter. Criteria: Invitae Variant Classification Sherloc (09022015). Collection method: clinical testing. Allele origin: germline.

Women's Health and Genetics/Laboratory Corporation of America, LabCorp
Classification: Likely benign. Last evaluated: 2025-11-04. Review status: criteria provided, single submitter. Criteria: LabCorp Variant Classification Summary - May 2015. Collection method: clinical testing. Allele origin: germline.

Molecular Diagnostic Laboratory for Inherited Cardiovascular Disease, Montreal Heart Institute
Classification: Benign. Last evaluated: 2025-04-09. Review status: criteria provided, single submitter. Criteria: ACMG Guidelines, 2015. Collection method: clinical testing. Allele origin: germline. Affected: no.

Genome-Nilou Lab
Classification: Benign for Autosomal recessive limb-girdle muscular dystrophy type 2J. Last evaluated: 2021-09-10. Review status: criteria provided, single submitter. Criteria: ACMG Guidelines, 2015. Collection method: clinical testing. Allele origin: germline. Affected: no.

Genome-Nilou Lab
Classification: Benign for Myopathy, myofibrillar, 9, with early respiratory failure. Last evaluated: 2021-09-10. Review status: criteria provided, single submitter. Criteria: ACMG Guidelines, 2015. Collection method: clinical testing. Allele origin: germline. Affected: no.

Genome-Nilou Lab
Classification: Benign for Early-onset myopathy with fatal cardiomyopathy. Last evaluated: 2021-09-10. Review status: criteria provided, single submitter. Criteria: ACMG Guidelines, 2015. Collection method: clinical testing. Allele origin: germline. Affected: no.

Genome-Nilou Lab
Classification: Benign for Tibial muscular dystrophy. Last evaluated: 2021-09-10. Review status: criteria provided, single submitter. Criteria: ACMG Guidelines, 2015. Collection method: clinical testing. Allele origin: germline. Affected: no.

ARUP Laboratories, Molecular Genetics and Genomics, ARUP Laboratories
Classification: Likely benign. Last evaluated: 2021-01-20. Review status: criteria provided, single submitter. Criteria: ARUP Molecular Germline Variant Investigation Process 2021. Collection method: clinical testing. Allele origin: germline.

GeneDx
Classification: Likely benign. Last evaluated: 2020-03-31. Review status: criteria provided, single submitter. Criteria: GeneDx Variant Classification Process June 2021. Collection method: clinical testing. Allele origin: germline. Affected: yes.

Ambry Genetics
Classification: Likely benign for Cardiovascular phenotype. Last evaluated: 2020-01-31. Review status: criteria provided, single submitter. Criteria: Ambry Variant Classification Scheme 2023. Collection method: clinical testing. Allele origin: germline.

Athena Diagnostics
Classification: Benign. Last evaluated: 2018-11-14. Review status: criteria provided, single submitter. Criteria: Athena Diagnostics Criteria. Collection method: clinical testing. Allele origin: germline.

Genetic Services Laboratory, University of Chicago
Classification: Benign for AllHighlyPenetrant. Last evaluated: 2013-12-04. Review status: criteria provided, single submitter. Criteria: ACMG Guidelines, 2007. Collection method: clinical testing. Allele origin: germline.

PreventionGenetics, part of Exact Sciences
Classification: Likely benign for TTN-related condition. Last evaluated: 2019-08-21. Review status: no assertion criteria provided. Collection method: clinical testing. Allele origin: germline. Not counted in ClinVar's aggregate classification.
Comment: This variant is classified as likely benign based on ACMG/AMP sequence variant interpretation guidelines (Richards et al. 2015 PMID: 25741868, with internal and published modifications).

NM_001267550.2(TTN):c.49944G>A (p.Lys16648=)

Genes: TTN (titin; minus strand), TTN-AS1 (TTN antisense RNA 1; plus strand). Cytogenetic location: 2q31.2.
Variant type: single nucleotide variant.
Coding change: c.49944G>A on transcript NM_001267550.2 (MANE Select); coding-DNA position 49944, G replaced by A.
Protein change: p.Lys16648=; no amino-acid change (lysine 16648 retained).
Molecular consequence: synonymous variant.
Genome position (GRCh38, 1-based): chr2:178,612,777, C>T on the plus strand (G>A on the coding strand, the complement: TTN is on the minus strand). VCF-style: chr2-178612777-C-T. GRCh37 (hg19) VCF-style: chr2-179477504-C-T.
Other names: c.45021G>A, p.Lys15007= (NM_001256850.1); c.22749G>A, p.Lys7583= (NM_003319.4); c.42240G>A, p.Lys14080= (NM_133378.4); c.23124G>A, p.Lys7708= (NM_133432.3); c.23325G>A, p.Lys7775= (NM_133437.4).
Identifiers: ClinVar variation 130668 (VCV000130668.33), dbSNP rs190021597, ClinGen allele CA155866.
Genomic context (GRCh38, chr2:178,612,777, plus strand): 5'-GCTCACAGGCAGATATTAGAAGAATTTATATATCCCAGACATCAAGAGTGACTTACATAG[C>T]TTCTCCCGGCAAAGCACAGGGTCACTGGGTTCACTGGGTTCACTTTCCCCAGCCTTATTC-3'
Protein context (NP_001254479.2, residues 16638-16658): EPSDPVLCRE[Lys16648=]LYPPSPPRWL